The following is an entry in ClinVar:

NM_014014.5(SNRNP200):c.2822A>G (p.Asp941Gly)

Gene: SNRNP200 (small nuclear ribonucleoprotein U5 subunit 200; minus strand). Cytogenetic location: 2q11.2.
Variant type: single nucleotide variant.
Coding change: c.2822A>G on transcript NM_014014.5 (MANE Select); coding-DNA position 2822, A replaced by G.
Protein change: p.Asp941Gly; replaces aspartic acid 941 with glycine.
Molecular consequence: missense variant.
Genome position (GRCh38, 1-based): chr2:96,289,917, T>C on the plus strand (A>G on the coding strand, the complement: SNRNP200 is on the minus strand). VCF-style: chr2-96289917-T-C. GRCh37 (hg19) VCF-style: chr2-96955655-T-C.
Other names: short protein forms D941G.
Identifiers: ClinVar variation 866252 (VCV000866252.4), dbSNP rs372777445, ClinGen allele CA1778614.

ClinVar aggregate classification (germline): Uncertain significance. Review status: criteria provided, multiple submitters, no conflicts (2 of 4 stars). 2 submissions from 2 submitters: Uncertain significance (2). Last evaluated 2024-06-27.

Allele frequency attached by ClinVar (database versions not stated): ExAC 0.00001; gnomAD 0.00001; gnomAD exomes 0.00001 and 0.00002; TOPMed 0.00002; ESP Exome Variant Server 0.00008.

Submissions (2):

Blueprint Genetics
Classification: Uncertain significance. Last evaluated: 2024-06-27. Review status: criteria provided, single submitter. Criteria: ACMG Guidelines, 2015. Collection method: clinical testing. Allele origin: germline.

Labcorp Genetics (formerly Invitae), Labcorp
Classification: Uncertain significance. Last evaluated: 2024-06-19. Review status: criteria provided, single submitter. Criteria: Invitae Variant Classification Sherloc (09022015). Collection method: clinical testing. Allele origin: germline.
Comment: This sequence change replaces aspartic acid, which is acidic and polar, with glycine, which is neutral and non-polar, at codon 941 of the SNRNP200 protein (p.Asp941Gly). This variant is present in population databases (rs372777445, gnomAD 0.006%). This variant has not been reported in the literature in individuals affected with SNRNP200-related conditions. ClinVar contains an entry for this variant (Variation ID: 866252). Advanced modeling of protein sequence and biophysical properties (such as structural, functional, and spatial information, amino acid conservation, physicochemical variation, residue mobility, and thermodynamic stability) performed at Invitae indicates that this missense variant is not expected to disrupt SNRNP200 protein function with a negative predictive value of 80%. In summary, the available evidence is currently insufficient to determine the role of this variant in disease. Therefore, it has been classified as a Variant of Uncertain Significance.